The following is an entry in ClinVar:

ClinVar aggregate classification (germline): Likely benign (1 of 4 stars; one submission).

gnomAD v4.1: 489 of 1,612,184 alleles (0.03%); highest among the groups gnomAD compares: Non-Finnish European, 0.04%; no homozygotes.

Submission:

CeGaT Center for Human Genetics Tuebingen
Classification: Likely benign. Last evaluated: 2026-06-01. Review status: criteria provided, single submitter. Criteria: CeGaT Center For Human Genetics Tuebingen Variant Classification Criteria Version 2. Collection method: clinical testing. Allele origin: germline. Affected: yes. Observed: 3 variant alleles.
Comment: PTRHD1: BP4, BP7

NM_001013663.2(PTRHD1):c.243G>T (p.Val81=)

Genes: PTRHD1 (peptidyl-tRNA hydrolase domain containing 1; minus strand), LOC129933272 (ATAC-STARR-seq lymphoblastoid active region 15435; plus strand). Cytogenetic location: 2p23.3.
Variant type: single nucleotide variant.
Coding change: c.243G>T on transcript NM_001013663.2 (MANE Select); coding-DNA position 243, G replaced by T.
Protein change: p.Val81=; no amino-acid change (valine 81 retained).
Molecular consequence: synonymous variant.
Genome position (GRCh38, 1-based): chr2:24,793,135, C>A on the plus strand (G>T on the coding strand, the complement: PTRHD1 is on the minus strand). VCF-style: chr2-24793135-C-A. GRCh37 (hg19) VCF-style: chr2-25016004-C-A.
Identifiers: ClinVar variation 4084300 (VCV004084300.8).